The following is an entry in ClinVar:

ClinVar aggregate classification (germline): Uncertain significance (1 of 4 stars; one submission).

gnomAD v4.1: 12 of 1,613,418 alleles (0.00074%); highest among the groups gnomAD compares: African/African-American, 0.011%; no homozygotes.

Submission:

Labcorp Genetics (formerly Invitae), Labcorp
Classification: Uncertain significance. Last evaluated: 2024-08-01. Review status: criteria provided, single submitter. Criteria: Invitae Variant Classification Sherloc (09022015). Collection method: clinical testing. Allele origin: germline.
Comment: This sequence change replaces arginine, which is basic and polar, with glutamine, which is neutral and polar, at codon 181 of the HGF protein (p.Arg181Gln). This variant is present in population databases (no rsID available, gnomAD 0.004%). This variant has not been reported in the literature in individuals affected with HGF-related conditions. An algorithm developed to predict the effect of missense changes on protein structure and function outputs the following: PolyPhen-2: "Benign". The glutamine amino acid residue is found in multiple mammalian species, which suggests that this missense change does not adversely affect protein function. In summary, the available evidence is currently insufficient to determine the role of this variant in disease. Therefore, it has been classified as a Variant of Uncertain Significance.

NM_000601.6(HGF):c.542G>A (p.Arg181Gln)

Gene: HGF (hepatocyte growth factor; minus strand). Cytogenetic location: 7q21.11.
Variant type: single nucleotide variant.
Coding change: c.542G>A on transcript NM_000601.6 (MANE Select); coding-DNA position 542, G replaced by A.
Protein change: p.Arg181Gln; replaces arginine 181 with glutamine.
Molecular consequence: missense variant.
Genome position (GRCh38, 1-based): chr7:81,752,203, C>T on the plus strand (G>A on the coding strand, the complement: HGF is on the minus strand). VCF-style: chr7-81752203-C-T. GRCh37 (hg19) VCF-style: chr7-81381519-C-T.
Other names: c.542G>A, p.Arg181Gln (NM_001010931.3, NM_001010934.3); c.527G>A, p.Arg176Gln (NM_001010932.3, NM_001010933.3); short protein forms R176Q, R181Q.
Identifiers: ClinVar variation 3652457 (VCV003652457.2).
Genomic context (GRCh38, chr7:81,752,203, plus strand): 5'-CAGACTTCGTAGCGTACCTCTGGATTGCTTGTGAAACACCAGGGTCCCCCTTCTTCCCCT[C>T]GAGGATTTCGACAGTAGTTTTCCTGTAGGTCTTTACCCCGATAGCTCGAAGGCAAAAAGC-3'
Protein context (NP_000592.3, residues 171-191): DLQENYCRNP[Arg181Gln]GEEGGPWCFT